The following is an entry in ClinVar:

ClinVar aggregate classification (germline): Likely benign. Review status: criteria provided, multiple submitters, no conflicts (2 of 4 stars). 2 submissions from 2 submitters: Likely benign (2). Last evaluated 2025-10-28.

Allele frequency attached by ClinVar (database versions not stated): ExAC 0.00001; gnomAD exomes 0.00001; gnomAD 0.00002; TOPMed 0.00002.
gnomAD v4.1: 34 of 1,613,704 alleles (0.0021%); highest among the groups gnomAD compares: Non-Finnish European, 0.0027%; no homozygotes.

Submissions (2):

Labcorp Genetics (formerly Invitae), Labcorp
Classification: Likely benign. Last evaluated: 2025-10-28. Review status: criteria provided, single submitter. Criteria: Invitae Variant Classification Sherloc (09022015). Collection method: clinical testing. Allele origin: germline.

GeneDx
Classification: Likely benign. Last evaluated: 2017-01-24. Review status: criteria provided, single submitter. Criteria: GeneDx Variant Classification (06012015). Collection method: clinical testing. Allele origin: germline. Affected: yes.
Comment: This variant is considered likely benign or benign based on one or more of the following criteria: it is a conservative change, it occurs at a poorly conserved position in the protein, it is predicted to be benign by multiple in silico algorithms, and/or has population frequency not consistent with disease.

NM_003477.3(PDHX):c.1248-15T>C

Gene: PDHX (pyruvate dehydrogenase complex component X; plus strand). Cytogenetic location: 11p13.
Variant type: single nucleotide variant.
Coding change: c.1248-15T>C on transcript NM_003477.3 (MANE Select); 15 bases into the intron before coding-DNA position 1248, T replaced by C.
Molecular consequence: intron variant.
Genome position (GRCh38, 1-based): chr11:34,994,899, T>C. VCF-style: chr11-34994899-T-C. GRCh37 (hg19) VCF-style: chr11-35016446-T-C.
Other names: c.1068-15T>C (NM_001135024.2); c.567-15T>C (NM_001166158.2).
Identifiers: ClinVar variation 506831 (VCV000506831.2), dbSNP rs749908412, ClinGen allele CA5946154.
Genomic context (GRCh38, chr11:34,994,899, plus strand): 5'-TAAAATATGTGCTTCACGGAAAGGGGACTTTGATTAAGGACATGCCTCCTTCAGAGCTTT[T>C]TCTTTTCCCCCTAGTATTTCCAACTTGGGGATGTTTGGCATCGACGAATTTACTGCAGTG-3'